The following is an entry in ClinVar:

NM_001365999.1(SZT2):c.3851C>G (p.Pro1284Arg)

Gene: SZT2 (SZT2 subunit of KICSTOR complex; plus strand). Cytogenetic location: 1p34.2.
Variant type: single nucleotide variant.
Coding change: c.3851C>G on transcript NM_001365999.1 (MANE Select); coding-DNA position 3851, C replaced by G.
Protein change: p.Pro1284Arg; replaces proline 1284 with arginine.
Molecular consequence: missense variant.
Genome position (GRCh38, 1-based): chr1:43,428,050, C>G. VCF-style: chr1-43428050-C-G. GRCh37 (hg19) VCF-style: chr1-43893721-C-G.
Other names: c.3680C>G, p.Pro1227Arg (NM_015284.4); short protein forms P1227R, P1284R.
Identifiers: ClinVar variation 4527951 (VCV004527951.1).

ClinVar aggregate classification (germline): Uncertain significance (1 of 4 stars; one submission).

gnomAD v4.1: 1 of 1,614,164 alleles (0.000062%); highest among the groups gnomAD compares: Non-Finnish European, 0.000085%; no homozygotes.

Submission:

GeneDx
Classification: Uncertain significance. Last evaluated: 2025-05-09. Review status: criteria provided, single submitter. Criteria: GeneDx Variant Classification Process June 2021. Collection method: clinical testing. Allele origin: germline. Affected: yes.
Comment: Not observed at significant frequency in large population cohorts (gnomAD); In silico analysis suggests that this missense variant does not alter protein structure/function; Has not been previously published as pathogenic or benign to our knowledge